The following is an entry in ClinVar:

ClinVar aggregate classification (germline): Likely benign. Review status: criteria provided, single submitter (1 of 4 stars). 2 submissions from 2 submitters: Likely benign (1). 1 of the submissions does not count toward it. Last evaluated 2021-05-07.

Conditions:
WAC-related disorder. Also called: WAC-related condition.

Allele frequency attached by ClinVar (database versions not stated): gnomAD exomes below 0.00001; gnomAD 0.00001; TOPMed 0.00001.
gnomAD v4.1: 5 of 1,578,862 alleles (0.00032%); highest among the groups gnomAD compares: Non-Finnish European, 0.00043%; no homozygotes.

Submissions (2):

GeneDx
Classification: Likely benign. Last evaluated: 2021-05-07. Review status: criteria provided, single submitter. Criteria: GeneDx Variant Classification Process June 2021. Collection method: clinical testing. Allele origin: germline. Affected: yes.

PreventionGenetics, part of Exact Sciences
Classification: Likely benign for WAC-related condition. Last evaluated: 2021-12-22. Review status: no assertion criteria provided. Collection method: clinical testing. Allele origin: germline. Not counted in ClinVar's aggregate classification.
Comment: This variant is classified as likely benign based on ACMG/AMP sequence variant interpretation guidelines (Richards et al. 2015 PMID: 25741868, with internal and published modifications).

NM_016628.5(WAC):c.1923T>C (p.Asn641=)

Gene: WAC (WW domain containing adaptor with coiled-coil; plus strand). Cytogenetic location: 10p12.1.
Variant type: single nucleotide variant.
Coding change: c.1923T>C on transcript NM_016628.5 (MANE Select); coding-DNA position 1923, T replaced by C.
Protein change: p.Asn641=; no amino-acid change (asparagine 641 retained).
Molecular consequence: synonymous variant.
Genome position (GRCh38, 1-based): chr10:28,619,585, T>C. VCF-style: chr10-28619585-T-C. GRCh37 (hg19) VCF-style: chr10-28908514-T-C.
Other names: c.1788T>C, p.Asn596= (NM_100264.3); c.1614T>C, p.Asn538= (NM_100486.4).
Identifiers: ClinVar variation 1333044 (VCV001333044.4), dbSNP rs1358341491, ClinGen allele CA468758345.